The following is an entry in ClinVar:

NM_001384732.1(CPLANE1):c.1122-12T>G

Gene: CPLANE1 (ciliogenesis and planar polarity effector complex subunit 1; minus strand). Cytogenetic location: 5p13.2.
Variant type: single nucleotide variant.
Coding change: c.1122-12T>G on transcript NM_001384732.1 (MANE Select); 12 bases into the intron before coding-DNA position 1122, T replaced by G.
Molecular consequence: intron variant.
Genome position (GRCh38, 1-based): chr5:37,227,829, A>C on the plus strand (T>G on the coding strand, the complement: CPLANE1 is on the minus strand). VCF-style: chr5-37227829-A-C. GRCh37 (hg19) VCF-style: chr5-37227931-A-C.
Other names: c.1122-12T>G (NM_023073.4).
Identifiers: ClinVar variation 4731510 (VCV004731510.1).

ClinVar aggregate classification (germline): Uncertain significance (1 of 4 stars; one submission).

Submission:

Labcorp Genetics (formerly Invitae), Labcorp
Classification: Uncertain significance. Last evaluated: 2025-11-24. Review status: criteria provided, single submitter. Criteria: Invitae Variant Classification Sherloc (09022015). Collection method: clinical testing. Allele origin: germline.
Comment: This sequence change falls in intron 9 of the CPLANE1 gene. It does not directly change the encoded amino acid sequence of the CPLANE1 protein. This variant is not present in population databases (gnomAD no frequency). This variant has not been reported in the literature in individuals affected with CPLANE1-related conditions. Algorithms developed to predict the effect of sequence changes on RNA splicing suggest that this variant may disrupt the consensus splice site. In summary, the available evidence is currently insufficient to determine the role of this variant in disease. Therefore, it has been classified as a Variant of Uncertain Significance.